The following is an entry in ClinVar:

NM_017671.5(FERMT1):c.1863G>A (p.Val621=)

Gene: FERMT1 (FERM domain containing kindlin 1; minus strand). Cytogenetic location: 20p12.3.
Variant type: single nucleotide variant.
Coding change: c.1863G>A on transcript NM_017671.5 (MANE Select); coding-DNA position 1863, G replaced by A.
Protein change: p.Val621=; no amino-acid change (valine 621 retained).
Molecular consequence: synonymous variant.
Genome position (GRCh38, 1-based): chr20:6,077,344, C>T on the plus strand (G>A on the coding strand, the complement: FERMT1 is on the minus strand). VCF-style: chr20-6077344-C-T. GRCh37 (hg19) VCF-style: chr20-6057991-C-T.
Identifiers: ClinVar variation 1419257 (VCV001419257.6), dbSNP rs1981856948, ClinGen allele CA509455272.

ClinVar aggregate classification (germline): Uncertain significance (1 of 4 stars; one submission).

Allele frequency attached by ClinVar (database versions not stated): gnomAD 0.00001; gnomAD exomes 0.00001.
gnomAD v4.1: 4 of 1,613,914 alleles (0.00025%); highest among the groups gnomAD compares: South Asian, 0.0044%; no homozygotes.

Submission:

Labcorp Genetics (formerly Invitae), Labcorp
Classification: Uncertain significance. Last evaluated: 2022-07-26. Review status: criteria provided, single submitter. Criteria: Invitae Variant Classification Sherloc (09022015). Collection method: clinical testing. Allele origin: germline.
Comment: In summary, the available evidence is currently insufficient to determine the role of this variant in disease. Therefore, it has been classified as a Variant of Uncertain Significance. Algorithms developed to predict the effect of sequence changes on RNA splicing suggest that this variant may create or strengthen a splice site. ClinVar contains an entry for this variant (Variation ID: 1419257). This variant has not been reported in the literature in individuals affected with FERMT1-related conditions. This variant is not present in population databases (gnomAD no frequency). This sequence change affects codon 621 of the FERMT1 mRNA. It is a 'silent' change, meaning that it does not change the encoded amino acid sequence of the FERMT1 protein.